The following is an entry in ClinVar:

ClinVar aggregate classification (germline): Conflicting classifications of pathogenicity. Review status: criteria provided, conflicting classifications (1 of 4 stars). 3 submissions from 3 submitters: Uncertain significance (2); Likely benign (1). Last evaluated 2025-12-30.

Conditions:
Gorlin syndrome. Also called: Basal cell nevus syndrome; Nevoid Basal Cell Carcinoma Syndrome. Identifiers: Orphanet 377, MedGen C0004779, MONDO:0007187.
Medulloblastoma (MDB). Also called: Medulloblastoma, somatic; MEDULLOBLASTOMA PREDISPOSITION SYNDROME. Identifiers: Orphanet 616, MedGen C0025149, MeSH D008527, MONDO:0007959, OMIM 155255, HP:0002885.
Basal cell carcinoma, susceptibility to, 1. Also called: BCC1. Identifiers: MedGen C2751544, MONDO:0011556, OMIM 605462.

Allele frequency attached by ClinVar (database versions not stated): gnomAD 0.00006 and 0.00009; gnomAD exomes 0.00013 and 0.00028; TOPMed 0.00015; ExAC 0.00027; 1000 Genomes Project 30x 0.00062; 1000 Genomes Project 0.00080.
gnomAD v4.1: 195 of 1,614,166 alleles (0.012%); highest among the groups gnomAD compares: East Asian, 0.41%; 1 homozygote.

Submissions (3):

Labcorp Genetics (formerly Invitae), Labcorp
Classification: Likely benign for Gorlin syndrome. Last evaluated: 2025-12-30. Review status: criteria provided, single submitter. Criteria: Invitae Variant Classification Sherloc (09022015). Collection method: clinical testing. Allele origin: germline.

Department of Pathology and Laboratory Medicine, Sinai Health System
Classification: Uncertain significance for Medulloblastoma; Basal cell carcinoma, susceptibility to, 1. Last evaluated: 2021-07-30. Review status: criteria provided, single submitter. Criteria: ACMG Guidelines, 2015. Collection method: research. Allele origin: germline.

Baylor Genetics
Classification: Uncertain significance for Basal cell nevus syndrome 1. Last evaluated: 2018-02-14. Review status: criteria provided, single submitter. Criteria: ACMG Guidelines, 2015. Collection method: clinical testing. Allele origin: unknown. Affected: yes.
Comment: This variant was determined to be of uncertain significance according to ACMG Guidelines, 2015 [PMID:25741868].

NM_003738.5(PTCH2):c.311T>C (p.Leu104Pro)

Gene: PTCH2 (patched 2; minus strand). Cytogenetic location: 1p34.1.
Variant type: single nucleotide variant.
Coding change: c.311T>C on transcript NM_003738.5 (MANE Select); coding-DNA position 311, T replaced by C.
Protein change: p.Leu104Pro; replaces leucine 104 with proline.
Molecular consequence: missense variant.
Genome position (GRCh38, 1-based): chr1:44,832,296, A>G on the plus strand (T>C on the coding strand, the complement: PTCH2 is on the minus strand). VCF-style: chr1-44832296-A-G. GRCh37 (hg19) VCF-style: chr1-45297968-A-G.
Other names: c.311T>C, p.Leu104Pro (NM_001166292.2); short protein forms L104P.
Identifiers: ClinVar variation 524629 (VCV000524629.15), dbSNP rs80168454, ClinGen allele CA823670.